The following is an entry in ClinVar:

ClinVar aggregate classification (germline): Uncertain significance (1 of 4 stars; one submission).

Allele frequency attached by ClinVar (database versions not stated): TOPMed below 0.00001; gnomAD 0.00001.
gnomAD v4.1: 1 of 1,614,108 alleles (0.000062%); highest among the groups gnomAD compares: Non-Finnish European, 0.000085%; no homozygotes.

Submission:

Labcorp Genetics (formerly Invitae), Labcorp
Classification: Uncertain significance. Last evaluated: 2023-11-27. Review status: criteria provided, single submitter. Criteria: Invitae Variant Classification Sherloc (09022015). Collection method: clinical testing. Allele origin: germline.
Comment: This sequence change replaces glutamine, which is neutral and polar, with glutamic acid, which is acidic and polar, at codon 330 of the SLC16A1 protein (p.Gln330Glu). This variant is not present in population databases (gnomAD no frequency). This variant has not been reported in the literature in individuals affected with SLC16A1-related conditions. ClinVar contains an entry for this variant (Variation ID: 2025838). An algorithm developed to predict the effect of missense changes on protein structure and function (PolyPhen-2) suggests that this variant is likely to be disruptive. In summary, the available evidence is currently insufficient to determine the role of this variant in disease. Therefore, it has been classified as a Variant of Uncertain Significance.

NM_003051.4(SLC16A1):c.988C>G (p.Gln330Glu)

Gene: SLC16A1 (solute carrier family 16 member 1; minus strand). Cytogenetic location: 1p13.2.
Variant type: single nucleotide variant.
Coding change: c.988C>G on transcript NM_003051.4 (MANE Select); coding-DNA position 988, C replaced by G.
Protein change: p.Gln330Glu; replaces glutamine 330 with glutamic acid.
Molecular consequence: missense variant.
Genome position (GRCh38, 1-based): chr1:112,917,418, G>C on the plus strand (C>G on the coding strand, the complement: SLC16A1 is on the minus strand). VCF-style: chr1-112917418-G-C. GRCh37 (hg19) VCF-style: chr1-113460040-G-C.
Other names: c.988C>G, p.Gln330Glu (NM_001166496.2); short protein forms Q330E.
Identifiers: ClinVar variation 2025838 (VCV002025838.4), dbSNP rs1006304962, ClinGen allele CA29390951.